The following is an entry in ClinVar:

ClinVar aggregate classification (germline): Likely benign. Review status: criteria provided, multiple submitters, no conflicts (2 of 4 stars). 3 submissions from 3 submitters: Likely benign (3). Last evaluated 2026-04-01.

Conditions:
Bethlem myopathy 1A. Also called: MYOPATHY, BENIGN CONGENITAL, WITH CONTRACTURES; Bethlem myopathy 1; Bethlem Muscular Dystrophy. Identifiers: Orphanet 610, MedGen CN029274, MONDO:0024530, OMIM 158810.

Allele frequency attached by ClinVar (database versions not stated): ExAC 0.00002; gnomAD exomes 0.00002; gnomAD 0.00003 and 0.00004; TOPMed 0.00005.
gnomAD v4.1: 26 of 1,613,736 alleles (0.0016%); highest among the groups gnomAD compares: Admixed American, 0.0033%; no homozygotes.

Submissions (3):

CeGaT Center for Human Genetics Tuebingen
Classification: Likely benign. Last evaluated: 2026-04-01. Review status: criteria provided, single submitter. Criteria: CeGaT Center For Human Genetics Tuebingen Variant Classification Criteria Version 2. Collection method: clinical testing. Allele origin: germline. Affected: yes. Observed: 1 variant allele.
Comment: COL6A3: BP4, BP7

Labcorp Genetics (formerly Invitae), Labcorp
Classification: Likely benign for Bethlem myopathy 1A. Last evaluated: 2026-01-25. Review status: criteria provided, single submitter. Criteria: Invitae Variant Classification Sherloc (09022015). Collection method: clinical testing. Allele origin: germline.

Breakthrough Genomics
Classification: Likely benign. Review status: criteria provided, single submitter. Criteria: ACMG Guidelines, 2015. Collection method: not provided. Allele origin: germline. Inheritance: Autosomal recessive inheritance. Affected: yes.

NM_004369.4(COL6A3):c.2634T>C (p.Ala878=)

Gene: COL6A3 (collagen type VI alpha 3 chain; minus strand). Cytogenetic location: 2q37.3.
Variant type: single nucleotide variant.
Coding change: c.2634T>C on transcript NM_004369.4 (MANE Select); coding-DNA position 2634, T replaced by C.
Protein change: p.Ala878=; no amino-acid change (alanine 878 retained).
Molecular consequence: synonymous variant.
Genome position (GRCh38, 1-based): chr2:237,377,208, A>G on the plus strand (T>C on the coding strand, the complement: COL6A3 is on the minus strand). VCF-style: chr2-237377208-A-G. GRCh37 (hg19) VCF-style: chr2-238285851-A-G.
Other names: c.1413T>C, p.Ala471= (NM_057164.5); c.2016T>C, p.Ala672= (NM_057165.5, NM_057167.4); c.813T>C, p.Ala271= (NM_057166.5).
Identifiers: ClinVar variation 1627027 (VCV001627027.11), dbSNP rs760857131, ClinGen allele CA2189356.
Genomic context (GRCh38, chr2:237,377,208, plus strand): 5'-CTCAGGCTTACTCTGGTGCTCATCAAAACGGGACTCCACCTTGACATCATCGCTGTACTG[A>G]GCCACCGCAATTCGGGTCCCCTCTGGCTTCACATTGAGCTCATCGATAATCTTGTAGAGA-3'
Protein context (NP_004360.2, residues 868-888): VKPEGTRIAV[Ala878=]QYSDDVKVES